The following is an entry in ClinVar:

NM_005245.4(FAT1):c.6512C>T (p.Pro2171Leu)

Gene: FAT1 (FAT atypical cadherin 1; minus strand). Cytogenetic location: 4q35.2.
Variant type: single nucleotide variant.
Coding change: c.6512C>T on transcript NM_005245.4 (MANE Select); coding-DNA position 6512, C replaced by T.
Protein change: p.Pro2171Leu; replaces proline 2171 with leucine.
Molecular consequence: missense variant.
Genome position (GRCh38, 1-based): chr4:186,620,074, G>A on the plus strand (C>T on the coding strand, the complement: FAT1 is on the minus strand). VCF-style: chr4-186620074-G-A. GRCh37 (hg19) VCF-style: chr4-187541228-G-A.
Other names: c.6512C>T (NM_005245.3); short protein forms P2171L.
Identifiers: ClinVar variation 2070366 (VCV002070366.2), dbSNP rs753722602, ClinGen allele CA3166233.

ClinVar aggregate classification (germline): Uncertain significance. Review status: criteria provided, multiple submitters, no conflicts (2 of 4 stars). 2 submissions from 2 submitters: Uncertain significance (2). Last evaluated 2023-06-16.

Allele frequency attached by ClinVar (database versions not stated): gnomAD 0.00011; TOPMed 0.00023.
gnomAD v4.1: 263 of 1,613,850 alleles (0.016%); highest among the groups gnomAD compares: Admixed American, 0.035%; no homozygotes.

Submissions (2):

GeneDx
Classification: Uncertain significance. Last evaluated: 2023-06-16. Review status: criteria provided, single submitter. Criteria: GeneDx Variant Classification Process June 2021. Collection method: clinical testing. Allele origin: germline. Affected: yes.
Comment: In silico analysis supports that this missense variant has a deleterious effect on protein structure/function; Has not been previously published as pathogenic or benign to our knowledge

Labcorp Genetics (formerly Invitae), Labcorp
Classification: Uncertain significance. Last evaluated: 2022-05-25. Review status: criteria provided, single submitter. Criteria: Invitae Variant Classification Sherloc (09022015). Collection method: clinical testing. Allele origin: germline.
Comment: This sequence change replaces proline, which is neutral and non-polar, with leucine, which is neutral and non-polar, at codon 2171 of the FAT1 protein (p.Pro2171Leu). This variant is present in population databases (rs753722602, gnomAD 0.02%). This variant has not been reported in the literature in individuals affected with FAT1-related conditions. Algorithms developed to predict the effect of missense changes on protein structure and function (SIFT, PolyPhen-2, Align-GVGD) all suggest that this variant is likely to be disruptive. In summary, the available evidence is currently insufficient to determine the role of this variant in disease. Therefore, it has been classified as a Variant of Uncertain Significance.